The following is an entry in ClinVar:

NM_006767.4(LZTR1):c.1353+5G>C

Gene: LZTR1 (leucine zipper like post translational regulator 1; plus strand). Cytogenetic location: 22q11.21.
Variant type: single nucleotide variant.
Coding change: c.1353+5G>C on transcript NM_006767.4 (MANE Select); 5 bases into the intron after coding-DNA position 1353, G replaced by C.
Molecular consequence: intron variant.
Genome position (GRCh38, 1-based): chr22:20,993,759, G>C. VCF-style: chr22-20993759-G-C. GRCh37 (hg19) VCF-style: chr22-21348048-G-C.
Identifiers: ClinVar variation 3869293 (VCV003869293.1).
Genomic context (GRCh38, chr22:20,993,759, plus strand): 5'-ACGGGCGGCTGTGGGAGAGCCGCCAGTTCTGCGACGTGGAGTTCGTGCTGGGTGAGGTGG[G>C]TGCCTGTCCTCGCACCCTGCTCTGCCTGCTGTGCCTGGGCAGTGGGAATTTCGCCCCTCA-3'

ClinVar aggregate classification (germline): Uncertain significance (1 of 4 stars; one submission).

Conditions:
Cardiovascular phenotype. Identifiers: MedGen CN230736.
Hereditary cancer-predisposing syndrome. Also called: Tumor predisposition; Neoplastic Syndromes, Hereditary; Hereditary Cancer Syndrome; Hereditary neoplastic syndrome. Identifiers: Orphanet 140162, MedGen C0027672, MeSH D009386, MONDO:0015356.

Submission:

Ambry Genetics
Classification: Uncertain significance for Cardiovascular phenotype; Hereditary cancer-predisposing syndrome. Last evaluated: 2025-01-17. Review status: criteria provided, single submitter. Criteria: Ambry Variant Classification Scheme 2023. Collection method: clinical testing. Allele origin: germline.
Comment: The c.1353+5G>C intronic variant results from a G to C substitution 5 nucleotides after coding exon 12 in the LZTR1 gene. This nucleotide position is highly conserved in available vertebrate species. In silico splice site analysis predicts that this alteration will weaken the native splice donor site. RNA studies have demonstrated that this alteration results in a splice defect; the clinical impact of this abnormal splicing is unknown at this time (Ambry internal data). Since supporting evidence is limited at this time, the clinical significance of this alteration remains unclear.